The following is an entry in ClinVar:

ClinVar aggregate classification (germline): Uncertain significance. Review status: criteria provided, multiple submitters, no conflicts (2 of 4 stars). 3 submissions from 3 submitters: Uncertain significance (3). Last evaluated 2022-01-01.

Conditions:
Optic atrophy. Identifiers: MedGen C0029124, MONDO:0003608, HP:0000648.
Wolfram syndrome 1 (WFS1). Identifiers: Orphanet 3463, MedGen C4551693, MONDO:0009101, OMIM 222300.

Allele frequency attached by ClinVar (database versions not stated): gnomAD exomes below 0.00001; ExAC 0.00001; gnomAD 0.00001 and 0.00002; TOPMed 0.00003.
gnomAD v4.1: 7 of 1,611,986 alleles (0.00043%); highest among the groups gnomAD compares: Non-Finnish European, 0.00051%; no homozygotes.

Submissions (3):

Institute of Human Genetics, Univ. Regensburg, Univ. Regensburg
Classification: Uncertain significance for Optic atrophy. Last evaluated: 2022-01-01. Review status: criteria provided, single submitter. Criteria: ACMG Guidelines, 2015. Collection method: clinical testing. Allele origin: germline. Affected: yes.

Victorian Clinical Genetics Services, Murdoch Childrens Research Institute
Classification: Uncertain significance for Wolfram syndrome 1. Last evaluated: 2020-05-25. Review status: criteria provided, single submitter. Criteria: ACMG Guidelines, 2015. Collection method: clinical testing. Allele origin: germline. Affected: yes.
Comment: A heterozygous missense variant was identified, NM_006005.3(WFS1):c.1540C>T in exon 8 of 8 of the WFS1 gene. This substitution is predicted to create a minor amino acid change from a leucine to a phenylalanine at position 514 of the protein; NP_005996.2(WFS1):p.(Leu514Phe). The leucine at this position has low conservation (100 vertebrates, UCSC), and is not situated in a known functional domain (NCBI, PDB). In silico software predicts this variant to be damaging (PolyPhen2, SIFT, CADD, Mutation Taster). The variant is present in the gnomAD population database at a frequency of 0.00040% (1 heterozygote, 0 homozygotes). This variant has been previously reported as a VUS (deafnessvariationdatabase). Based on information available at the time of curation, this variant has been classified as a VUS with LOW CLINICAL RELEVANCE.

GeneDx
Classification: Uncertain significance. Last evaluated: 2019-04-17. Review status: criteria provided, single submitter. Criteria: GeneDx Variant Classification Process June 2021. Collection method: clinical testing. Allele origin: germline. Affected: yes.
Comment: Not observed at a significant frequency in large population cohorts (Lek et al., 2016); In silico analysis, which includes protein predictors and evolutionary conservation, supports that this variant does not alter protein structure/function; Has not been previously published as pathogenic or benign to our knowledge

Literature cited by the submitters: PubMed 33841295 (cited by Institute of Human Genetics, Univ. Regensburg, Univ. Regensburg).

NM_006005.3(WFS1):c.1540C>T (p.Leu514Phe)

Gene: WFS1 (wolframin ER transmembrane glycoprotein; plus strand). Cytogenetic location: 4p16.1.
Variant type: single nucleotide variant.
Coding change: c.1540C>T on transcript NM_006005.3 (MANE Select); coding-DNA position 1540, C replaced by T.
Protein change: p.Leu514Phe; replaces leucine 514 with phenylalanine.
Molecular consequence: missense variant.
Genome position (GRCh38, 1-based): chr4:6,301,335, C>T. VCF-style: chr4-6301335-C-T. GRCh37 (hg19) VCF-style: chr4-6303062-C-T.
Other names: c.1540C>T, p.Leu514Phe (NM_001145853.1); short protein forms L514F.
Identifiers: ClinVar variation 1208897 (VCV001208897.5), dbSNP rs781498347, ClinGen allele CA2839397.